The following is an entry in ClinVar:

ClinVar aggregate classification (germline): Conflicting classifications of pathogenicity. Review status: criteria provided, conflicting classifications (1 of 4 stars). 3 submissions from 3 submitters: Likely pathogenic (2); Uncertain significance (1). Last evaluated 2026-08-13.

Conditions:
OTOA-related disorder. Also called: OTOA-related condition.

Submissions (3):

PreventionGenetics, part of Exact Sciences
Classification: Uncertain significance for OTOA-related condition. Last evaluated: 2026-08-13. Review status: criteria provided, single submitter. Criteria: ACMG Guidelines, 2015. Collection method: clinical testing. Allele origin: germline.
Comment: The OTOA c.1999A>G variant is predicted to result in the amino acid substitution p.Lys667Glu. This variant was reported in the homozygous state in an individual with hearing loss (Ramzan et al. 2023. PubMed ID: 37217689). This variant is reported in 0.0058% of alleles in individuals of Latino descent in gnomAD. At this time, the clinical significance of this variant is uncertain due to the absence of conclusive functional and genetic evidence.

Labcorp Genetics (formerly Invitae), Labcorp
Classification: Likely pathogenic. Last evaluated: 2025-02-03. Review status: criteria provided, single submitter. Criteria: Invitae Variant Classification Sherloc (09022015). Collection method: clinical testing. Allele origin: germline.
Comment: This sequence change replaces lysine, which is basic and polar, with glutamic acid, which is acidic and polar, at codon 667 of the OTOA protein (p.Lys667Glu). This variant is present in population databases (no rsID available, gnomAD 0.006%). This missense change has been observed in individual(s) with deafness (PMID: 37217689; internal data). In at least one individual the data is consistent with being in trans (on the opposite chromosome) from a pathogenic variant. An algorithm developed to predict the effect of missense changes on protein structure and function (PolyPhen-2) suggests that this variant is likely to be disruptive. In summary, the currently available evidence indicates that the variant is pathogenic, but additional data are needed to prove that conclusively. Therefore, this variant has been classified as Likely Pathogenic.

Blueprint Genetics
Classification: Likely pathogenic for OTOA-related disorders. Last evaluated: 2022-10-15. Review status: criteria provided, single submitter. Criteria: ACMG Guidelines, 2015. Collection method: clinical testing. Allele origin: germline. Affected: yes. Observed: 1 variant allele.

Literature cited by the submitters: PubMed 37217689 (cited by Labcorp Genetics (formerly Invitae), Labcorp).

NM_144672.4(OTOA):c.1999A>G (p.Lys667Glu)

Gene: OTOA (otoancorin). Cytogenetic location: 16p12.2.
Variant type: single nucleotide variant.
Coding change: c.1999A>G on transcript NM_144672.4 (MANE Select); coding-DNA position 1999, A replaced by G.
Protein change: p.Lys667Glu; replaces lysine 667 with glutamic acid.
Molecular consequence: missense variant.
Genome position (GRCh38, 1-based): chr16:21,726,641, A>G. VCF-style: chr16-21726641-A-G. GRCh37 (hg19) VCF-style: chr16-21737962-A-G.
Other names: c.1762A>G, p.Lys588Glu (NM_001161683.2); c.1027A>G, p.Lys343Glu (NM_170664.3); c.1999A>G (NM_144672.3); short protein forms K588E, K667E, K343E.
Identifiers: ClinVar variation 3627422 (VCV003627422.4).
Genomic context (GRCh38, chr16:21,726,641, plus strand): 5'-GGGAAGAGCTGGTTGGACTCCTTGGTTTTAGATTCCCACAAAAAGACTTCAGTCCTCAGG[A>G]AAGTGCAGCAGTGCCTGGTAAGAAAACTCTTCCTGGGTGTCCCCTCCCTCTGGGTATCTG-3'
Protein context (NP_653273.3, residues 657-677): DSHKKTSVLR[Lys667Glu]VQQCLDDSIA